The following is an entry in ClinVar:

NM_020964.3(EPG5):c.2776G>A (p.Ala926Thr)

Gene: EPG5 (ectopic P-granules 5 autophagy tethering factor; minus strand). Cytogenetic location: 18q21.1.
Variant type: single nucleotide variant.
Coding change: c.2776G>A on transcript NM_020964.3 (MANE Select); coding-DNA position 2776, G replaced by A.
Protein change: p.Ala926Thr; replaces alanine 926 with threonine.
Molecular consequence: missense variant.
Genome position (GRCh38, 1-based): chr18:45,923,330, C>T on the plus strand (G>A on the coding strand, the complement: EPG5 is on the minus strand). VCF-style: chr18-45923330-C-T. GRCh37 (hg19) VCF-style: chr18-43503296-C-T.
Other names: c.2776G>A (NM_020964.2); short protein forms A926T.
Identifiers: ClinVar variation 1054269 (VCV001054269.11), dbSNP rs371695724, ClinGen allele CA8949337.

ClinVar aggregate classification (germline): Uncertain significance. Review status: criteria provided, multiple submitters, no conflicts (2 of 4 stars). 2 submissions from 2 submitters: Uncertain significance (2). Last evaluated 2025-08-21.

Conditions:
Vici syndrome (VICIS). Identifiers: Orphanet 1493, MedGen C1855772, MONDO:0009452, OMIM 242840.
Inborn genetic diseases. Identifiers: MedGen C0950123, MeSH D030342.

Allele frequency attached by ClinVar (database versions not stated): TOPMed 0.00002; ESP Exome Variant Server 0.00008; ExAC 0.00001; gnomAD 0.00001; gnomAD exomes 0.00001 and 0.00002.
gnomAD v4.1: 20 of 1,613,880 alleles (0.0012%); highest among the groups gnomAD compares: Non-Finnish European, 0.0017%; no homozygotes.

Submissions (2):

Ambry Genetics
Classification: Uncertain significance for Inborn genetic diseases. Last evaluated: 2025-08-21. Review status: criteria provided, single submitter. Criteria: Ambry Variant Classification Scheme 2023. Collection method: clinical testing. Allele origin: germline.

Labcorp Genetics (formerly Invitae), Labcorp
Classification: Uncertain significance for Vici syndrome. Last evaluated: 2024-12-15. Review status: criteria provided, single submitter. Criteria: Invitae Variant Classification Sherloc (09022015). Collection method: clinical testing. Allele origin: germline.
Comment: This sequence change replaces alanine, which is neutral and non-polar, with threonine, which is neutral and polar, at codon 926 of the EPG5 protein (p.Ala926Thr). This variant is present in population databases (rs371695724, gnomAD 0.004%). This variant has not been reported in the literature in individuals affected with EPG5-related conditions. ClinVar contains an entry for this variant (Variation ID: 1054269). Invitae Evidence Modeling of protein sequence and biophysical properties (such as structural, functional, and spatial information, amino acid conservation, physicochemical variation, residue mobility, and thermodynamic stability) indicates that this missense variant is expected to disrupt EPG5 protein function with a positive predictive value of 80%. In summary, the available evidence is currently insufficient to determine the role of this variant in disease. Therefore, it has been classified as a Variant of Uncertain Significance.